The following is an entry in ClinVar:

ClinVar aggregate classification (germline): Likely benign (1 of 4 stars; one submission).

Submission:

CeGaT Center for Human Genetics Tuebingen
Classification: Likely benign. Last evaluated: 2024-08-01. Review status: criteria provided, single submitter. Criteria: CeGaT Center For Human Genetics Tuebingen Variant Classification Criteria Version 2. Collection method: clinical testing. Allele origin: germline. Affected: yes. Observed: 1 variant allele.
Comment: CIT: PM2:Supporting, BP4, BP7

NM_001206999.2(CIT):c.6108C>G (p.Pro2036=)

Gene: CIT (citron rho-interacting serine/threonine kinase; minus strand). Cytogenetic location: 12q24.23.
Variant type: single nucleotide variant.
Coding change: c.6108C>G on transcript NM_001206999.2 (MANE Select); coding-DNA position 6108, C replaced by G.
Protein change: p.Pro2036=; no amino-acid change (proline 2036 retained).
Molecular consequence: synonymous variant.
Genome position (GRCh38, 1-based): chr12:119,690,229, G>C on the plus strand (C>G on the coding strand, the complement: CIT is on the minus strand). VCF-style: chr12-119690229-G-C. GRCh37 (hg19) VCF-style: chr12-120128034-G-C.
Other names: c.5982C>G, p.Pro1994= (NM_007174.3).
Identifiers: ClinVar variation 3342096 (VCV003342096.16).